The following is an entry in ClinVar:

ClinVar aggregate classification (germline): Benign. Review status: criteria provided, multiple submitters, no conflicts (2 of 4 stars). 3 submissions from 3 submitters: Benign (2). 1 of the submissions does not count toward it. Last evaluated 2018-07-13.

Conditions:
TENM4-related disorder. Also called: TENM4-related condition.

Allele frequency attached by ClinVar (database versions not stated): gnomAD exomes 0.00036 and 0.00075; ESP Exome Variant Server 0.00307; ExAC 0.00104; gnomAD 0.00329 and 0.00360; 1000 Genomes Project 0.00379; 1000 Genomes Project 30x 0.00422; TOPMed 0.00352.
gnomAD v4.1: 1,027 of 1,551,278 alleles (0.066%); highest among the groups gnomAD compares: African/African-American, 1.2%; 6 homozygotes.

Submissions (3):

Labcorp Genetics (formerly Invitae), Labcorp
Classification: Benign. Last evaluated: 2018-07-13. Review status: criteria provided, single submitter. Criteria: Invitae Variant Classification Sherloc (09022015). Collection method: clinical testing. Allele origin: germline.

Breakthrough Genomics
Classification: Benign. Review status: criteria provided, single submitter. Criteria: ACMG Guidelines, 2015. Collection method: not provided. Allele origin: germline. Inheritance: Autosomal dominant inheritance. Affected: yes.

PreventionGenetics, part of Exact Sciences
Classification: Benign for TENM4-related condition. Last evaluated: 2024-01-05. Review status: no assertion criteria provided. Collection method: clinical testing. Allele origin: germline. Not counted in ClinVar's aggregate classification.
Comment: This variant is classified as benign based on ACMG/AMP sequence variant interpretation guidelines (Richards et al. 2015 PMID: 25741868, with internal and published modifications).

NM_001098816.3(TENM4):c.1962C>T (p.Gly654=)

Gene: TENM4 (teneurin transmembrane protein 4; minus strand). Cytogenetic location: 11q14.1.
Variant type: single nucleotide variant.
Coding change: c.1962C>T on transcript NM_001098816.3 (MANE Select); coding-DNA position 1962, C replaced by T.
Protein change: p.Gly654=; no amino-acid change (glycine 654 retained).
Molecular consequence: synonymous variant.
Genome position (GRCh38, 1-based): chr11:78,812,138, G>A on the plus strand (C>T on the coding strand, the complement: TENM4 is on the minus strand). VCF-style: chr11-78812138-G-A. GRCh37 (hg19) VCF-style: chr11-78523183-G-A.
Identifiers: ClinVar variation 785372 (VCV000785372.6), dbSNP rs61745646, ClinGen allele CA6207484.
Genomic context (GRCh38, chr11:78,812,138, plus strand): 5'-CTATCTCAGAGGAAGGTGCCGGAGCTGCCACCTGCAACTCTTACCTTCCTCACAGCTCTC[G>A]CCCTTGTAGCCAGGGTTGCAGATGCAGGTGCCCGTGATGCAGGTGCCATGGTTGCTGCAG-3'
Protein context (NP_001092286.2, residues 644-664): GTCICNPGYK[Gly654=]ESCEEVDCMD